The following is an entry in ClinVar:

NM_000292.3(PHKA2):c.2137+5G>A

Gene: PHKA2 (phosphorylase kinase regulatory subunit alpha 2; minus strand). Cytogenetic location: Xp22.13.
Variant type: single nucleotide variant.
Coding change: c.2137+5G>A on transcript NM_000292.3 (MANE Select); 5 bases into the intron after coding-DNA position 2137, G replaced by A.
Molecular consequence: intron variant.
Genome position (GRCh38, 1-based): chrX:18,918,676, C>T on the plus strand (G>A on the coding strand, the complement: PHKA2 is on the minus strand). VCF-style: chrX-18918676-C-T. GRCh37 (hg19) VCF-style: chrX-18936794-C-T.
Identifiers: ClinVar variation 440944 (VCV000440944.9), dbSNP rs372314504, ClinGen allele CA10361726.

ClinVar aggregate classification (germline): Uncertain significance. Review status: criteria provided, multiple submitters, no conflicts (2 of 4 stars). 3 submissions from 3 submitters: Uncertain significance (3). Last evaluated 2024-09-03.

Conditions:
Glycogen storage disease IXa1. Also called: LIVER GLYCOGENOSIS, X-LINKED, TYPE I; GLYCOGEN STORAGE DISEASE VIII; GSD VIII; Glycogen storage disease 8. Identifiers: Orphanet 264580, MedGen C3694531, MONDO:0010598, OMIM 306000.
Glycogen phosphorylase kinase deficiency. Also called: Phosphorylase Kinase Deficiency; Glycogen Storage Disease Type IX. Identifiers: Orphanet 370, MedGen C0268147, MONDO:0700291.

Allele frequency attached by ClinVar (database versions not stated): ExAC 0.00002; gnomAD exomes 0.00003 and 0.00004; gnomAD 0.00005 and 0.00006; TOPMed 0.00005; ESP Exome Variant Server 0.00009.
gnomAD v4.1: 59 of 1,200,456 alleles (0.0049%); highest among the groups gnomAD compares: Non-Finnish European, 0.0059%; no homozygotes.

Submissions (3):

Women's Health and Genetics/Laboratory Corporation of America, LabCorp
Classification: Uncertain significance. Last evaluated: 2024-09-03. Review status: criteria provided, single submitter. Criteria: LabCorp Variant Classification Summary - May 2015. Collection method: clinical testing. Allele origin: germline.

Labcorp Genetics (formerly Invitae), Labcorp
Classification: Uncertain significance for Glycogen storage disease IXa1. Last evaluated: 2024-02-23. Review status: criteria provided, single submitter. Criteria: Invitae Variant Classification Sherloc (09022015). Collection method: clinical testing. Allele origin: germline.
Comment: This sequence change falls in intron 19 of the PHKA2 gene. It does not directly change the encoded amino acid sequence of the PHKA2 protein. It affects a nucleotide within the consensus splice site. This variant is present in population databases (rs372314504, gnomAD 0.005%). This variant has not been reported in the literature in individuals affected with PHKA2-related conditions. ClinVar contains an entry for this variant (Variation ID: 440944). Variants that disrupt the consensus splice site are a relatively common cause of aberrant splicing (PMID: 17576681, 9536098). Algorithms developed to predict the effect of sequence changes on RNA splicing suggest that this variant may disrupt the consensus splice site. In summary, the available evidence is currently insufficient to determine the role of this variant in disease. Therefore, it has been classified as a Variant of Uncertain Significance.

GeneDx
Classification: Uncertain significance. Last evaluated: 2019-10-30. Review status: criteria provided, single submitter. Criteria: GeneDx Variant Classification Process June 2021. Collection method: clinical testing. Allele origin: germline. Affected: yes.
Comment: Not observed at a significant frequency in large population cohorts (Lek et al., 2016); In silico analysis, which includes splice predictors and evolutionary conservation, supports a deleterious effect; Has not been previously published as pathogenic or benign to our knowledge

Literature cited by the submitters: PubMed 17576681 (cited by Labcorp Genetics (formerly Invitae), Labcorp); PubMed 9536098 (cited by Labcorp Genetics (formerly Invitae), Labcorp).